The following is an entry in ClinVar:

ClinVar aggregate classification (germline): Uncertain significance (1 of 4 stars; one submission).

Conditions:
Myopathy, centronuclear, 2 (CNM2). Also called: MYOTUBULAR MYOPATHY, AUTOSOMAL RECESSIVE. Identifiers: Orphanet 169186, MedGen CN031787, MONDO:0009709, OMIM 255200.

gnomAD v4.1: 14 of 1,614,154 alleles (0.00087%); highest among the groups gnomAD compares: South Asian, 0.0011%; no homozygotes.

Submission:

Labcorp Genetics (formerly Invitae), Labcorp
Classification: Uncertain significance for Myopathy, centronuclear, 2. Last evaluated: 2024-03-29. Review status: criteria provided, single submitter. Criteria: Invitae Variant Classification Sherloc (09022015). Collection method: clinical testing. Allele origin: germline.
Comment: This sequence change replaces cysteine, which is neutral and slightly polar, with arginine, which is basic and polar, at codon 47 of the BIN1 protein (p.Cys47Arg). This variant is present in population databases (no rsID available, gnomAD 0.0009%). This variant has not been reported in the literature in individuals affected with BIN1-related conditions. Advanced modeling of protein sequence and biophysical properties (such as structural, functional, and spatial information, amino acid conservation, physicochemical variation, residue mobility, and thermodynamic stability) performed at Invitae indicates that this missense variant is not expected to disrupt BIN1 protein function with a negative predictive value of 80%. In summary, the available evidence is currently insufficient to determine the role of this variant in disease. Therefore, it has been classified as a Variant of Uncertain Significance.

NM_139343.3(BIN1):c.139T>C (p.Cys47Arg)

Gene: BIN1 (bridging integrator 1; minus strand). Cytogenetic location: 2q14.3.
Variant type: single nucleotide variant.
Coding change: c.139T>C on transcript NM_139343.3 (MANE Select); coding-DNA position 139, T replaced by C.
Protein change: p.Cys47Arg; replaces cysteine 47 with arginine.
Molecular consequence: missense variant.
Genome position (GRCh38, 1-based): chr2:127,076,652, A>G on the plus strand (T>C on the coding strand, the complement: BIN1 is on the minus strand). VCF-style: chr2-127076652-A-G. GRCh37 (hg19) VCF-style: chr2-127834228-A-G.
Other names: c.139T>C, p.Cys47Arg (NM_139347.3, NM_139348.3, NM_139349.3 and 10 more transcripts); c.67T>C, p.Cys23Arg (NM_001320634.1); c.58T>C, p.Cys20Arg (NM_001320642.1); short protein forms C20R, C23R, C47R.
Identifiers: ClinVar variation 3624673 (VCV003624673.2).